The following is an entry in ClinVar:

ClinVar aggregate classification (germline): Benign (3 of 4 stars; one submission).

Conditions:
Breast-ovarian cancer, familial, susceptibility to, 1 (BROVCA1). Also called: BRCA1 Hereditary Breast and Ovarian Cancer; OVARIAN CANCER, SUSCEPTIBILITY TO. Identifiers: Orphanet 145, MedGen C2676676, MONDO:0011450, OMIM 604370. Disease mechanism: loss of function.

Allele frequency attached by ClinVar (database versions not stated): 1000 Genomes Project 0.01398; 1000 Genomes Project 30x 0.01421; gnomAD 0.01422 and 0.01522; TOPMed 0.01527.

Submission:

Evidence-based Network for the Interpretation of Germline Mutant Alleles (ENIGMA)
Classification: Benign for Breast-ovarian cancer, familial 1. Last evaluated: 2015-01-12. Review status: reviewed by expert panel. Criteria: ENIGMA BRCA1/2 Classification Criteria (2015). Collection method: curation. Allele origin: germline.
Comment: Class 1 not pathogenic based on frequency >1% in an outbred sampleset. Frequency 0.06504 (African), derived from 1000 genomes (2012-04-30).

NM_007294.4(BRCA1):c.5278-1874G>A

Gene: BRCA1 (BRCA1 DNA repair associated; minus strand). Cytogenetic location: 17q21.31.
Variant type: single nucleotide variant.
Coding change: c.5278-1874G>A on transcript NM_007294.4 (MANE Select); 1874 bases into the intron before coding-DNA position 5278, G replaced by A.
Molecular consequence: intron variant.
Genome position (GRCh38, 1-based): chr17:43,052,991, C>T on the plus strand (G>A on the coding strand, the complement: BRCA1 is on the minus strand). VCF-style: chr17-43052991-C-T. GRCh37 (hg19) VCF-style: chr17-41205008-C-T.
Other names: IVS 20-1874G>A; c.5275-1874G>A (NM_001407618.1, NM_001407614.1, NM_001407626.1 and 17 more transcripts); c.5278-1874G>A (NM_001407603.1, NM_001407854.1, NM_001407598.1 and 6 more transcripts); c.1834-1874G>A (NM_001408451.1); c.5065-1874G>A (NM_001407898.1, NM_001407894.1, NM_001407909.1 and 12 more transcripts); c.5068-1874G>A (NM_001407881.1, NM_001407887.1, NM_001407889.1 and 5 more transcripts); c.5011-1874G>A (NM_001407932.1, NM_001407928.1, NM_001407929.1 and 4 more transcripts); c.1825-1874G>A (NM_001408464.1, NM_001408467.1, NM_001408459.1 and 7 more transcripts); and 75 more.
Identifiers: ClinVar variation 209272 (VCV000209272.2), dbSNP rs8176295, ClinGen allele CA276244.